The following is an entry in ClinVar:

NM_000257.4(MYH7):c.5020G>T (p.Val1674Leu)

Genes: MHRT (myosin heavy chain associated RNA transcript; plus strand), MYH7 (myosin heavy chain 7; minus strand), LOC126861897 (BRD4-independent group 4 enhancer GRCh37_chr14:23884455-23885654; plus strand). Cytogenetic location: 14q11.2.
Variant type: single nucleotide variant.
Coding change: c.5020G>T on transcript NM_000257.4 (MANE Select); coding-DNA position 5020, G replaced by T.
Protein change: p.Val1674Leu; replaces valine 1674 with leucine.
Molecular consequence: missense variant. On other transcripts: non-coding transcript variant (1).
Genome position (GRCh38, 1-based): chr14:23,415,766, C>A on the plus strand (G>T on the coding strand, the complement: MYH7 is on the minus strand). VCF-style: chr14-23415766-C-A. GRCh37 (hg19) VCF-style: chr14-23884975-C-A.
Other names: short protein forms V1674L.
Identifiers: ClinVar variation 1327794 (VCV001327794.10), dbSNP rs397516235, ClinGen allele CA389037124.

ClinVar aggregate classification (germline): Uncertain significance. Review status: criteria provided, multiple submitters, no conflicts (2 of 4 stars). 5 submissions from 5 submitters: Uncertain significance (5). Last evaluated 2025-06-16.

Conditions:
Hypertrophic cardiomyopathy. Also called: HYPERTROPHIC MYOCARDIOPATHY. Identifiers: Orphanet 217569, MedGen C0007194, MeSH D002312, MONDO:0005045, HP:0001639.
Cardiomyopathy (CMYO). Also called: Cardiomyopathies. Identifiers: Orphanet 167848, MedGen C0878544, MONDO:0004994, HP:0001638. Inheritance: Various modes of inheritance.

gnomAD v4.1: 2 of 1,614,208 alleles (0.00012%); highest among the groups gnomAD compares: Non-Finnish European, 0.000085%; no homozygotes.

Submissions (5):

GeneDx
Classification: Uncertain significance. Last evaluated: 2025-06-16. Review status: criteria provided, single submitter. Criteria: GeneDx Variant Classification Process June 2021. Collection method: clinical testing. Allele origin: germline. Affected: yes.
Comment: Not observed at significant frequency in large population cohorts (gnomAD); In silico analysis suggests that this missense variant does not alter protein structure/function; This variant is associated with the following publications: (PMID: 37652022, 27532257)

All of Us Research Program, National Institutes of Health
Classification: Uncertain significance for Cardiomyopathy. Last evaluated: 2023-10-23. Review status: criteria provided, single submitter. Criteria: ACMG Guidelines, 2015. Collection method: clinical testing. Allele origin: germline. Inheritance: Autosomal dominant inheritance. Observed: 3 variant alleles, 3 heterozygotes.
Comment: This missense variant replaces valine with leucine at codon 1674 of the MYH7 protein. Computational prediction suggests that this variant may not impact protein structure and function (internally defined REVEL score threshold <= 0.5, PMID: 27666373). To our knowledge, functional studies have not been reported for this variant. This variant has been reported in an individual affected with dilated cardiomyopathy (PMID: 27532257). This variant has not been identified in the general population by the Genome Aggregation Database (gnomAD). The available evidence is insufficient to determine the role of this variant in disease conclusively. Therefore, this variant is classified as a Variant of Uncertain Significance.

This study involves interpretation of variants in research participants for the purpose of population health screening. Participant phenotype was not available at the time of variant classification. Additional details can be found in publication PMID: 35346344, PMCID: PMC8962531

Color Diagnostics, LLC DBA Color Health
Classification: Uncertain significance for Cardiomyopathy. Last evaluated: 2023-09-24. Review status: criteria provided, single submitter. Criteria: ACMG Guidelines, 2015. Collection method: clinical testing. Allele origin: germline.
Comment: This missense variant replaces valine with leucine at codon 1674 of the MYH7 protein. Computational prediction suggests that this variant may not impact protein structure and function (internally defined REVEL score threshold <= 0.5, PMID: 27666373). To our knowledge, functional studies have not been reported for this variant. This variant has been reported in an individual affected with dilated cardiomyopathy (PMID: 27532257). This variant has not been identified in the general population by the Genome Aggregation Database (gnomAD). The available evidence is insufficient to determine the role of this variant in disease conclusively. Therefore, this variant is classified as a Variant of Uncertain Significance.

Athena Diagnostics
Classification: Uncertain significance. Last evaluated: 2022-10-31. Review status: criteria provided, single submitter. Criteria: Athena Diagnostics Criteria. Collection method: clinical testing. Allele origin: unknown.
Comment: Available data are insufficient to determine the clinical significance of the variant at this time. This variant has been identified in at least one individual with clinical features associated with this gene. This variant has not been reported in large, multi-ethnic general populations. Computational tools disagree on the variant's effect on normal protein function.

Labcorp Genetics (formerly Invitae), Labcorp
Classification: Uncertain significance for Hypertrophic cardiomyopathy. Last evaluated: 2022-03-10. Review status: criteria provided, single submitter. Criteria: Invitae Variant Classification Sherloc (09022015). Collection method: clinical testing. Allele origin: germline.
Comment: In summary, the available evidence is currently insufficient to determine the role of this variant in disease. Therefore, it has been classified as a Variant of Uncertain Significance. Algorithms developed to predict the effect of missense changes on protein structure and function are either unavailable or do not agree on the potential impact of this missense change (SIFT: "Deleterious"; PolyPhen-2: "Benign"; Align-GVGD: "Class C0"). ClinVar contains an entry for this variant (Variation ID: 1327794). This missense change has been observed in individual(s) with dilated cardiomyopathy (PMID: 27532257). This variant is not present in population databases (gnomAD no frequency). This sequence change replaces valine, which is neutral and non-polar, with leucine, which is neutral and non-polar, at codon 1674 of the MYH7 protein (p.Val1674Leu).

Literature cited by the submitters: PubMed 27532257 (cited by 4 submitters).